The following is an entry in ClinVar:

ClinVar aggregate classification (germline): Uncertain significance. Review status: criteria provided, multiple submitters, no conflicts (2 of 4 stars). 2 submissions from 2 submitters: Uncertain significance (2). Last evaluated 2024-04-08.

Conditions:
Developmental delay, hypotonia, musculoskeletal defects, and behavioral abnormalities. Identifiers: MedGen C5562012, MONDO:0859202, OMIM 619595.
Floating-Harbor syndrome (FLHS). Also called: Short stature with delayed bone age, expressive language delay, a triangular face with a prominent nose and deep-set eyes; Pelletier-Leisti syndrome; SRCAP-Related Floating-Harbor Syndrome. Identifiers: Orphanet 2044, MedGen C0729582, MONDO:0007621, OMIM 136140.

Allele frequency attached by ClinVar (database versions not stated): TOPMed 0.00002; gnomAD exomes 0.00003; ExAC 0.00006.
gnomAD v4.1: 52 of 1,613,916 alleles (0.0032%); highest among the groups gnomAD compares: South Asian, 0.02%; no homozygotes.

Submissions (2):

Fulgent Genetics
Classification: Uncertain significance for Floating-Harbor syndrome; Developmental delay, hypotonia, musculoskeletal defects, and behavioral abnormalities. Last evaluated: 2024-04-08. Review status: criteria provided, single submitter. Criteria: ACMG Guidelines, 2015. Collection method: clinical testing. Allele origin: germline.

Labcorp Genetics (formerly Invitae), Labcorp
Classification: Uncertain significance. Last evaluated: 2022-04-08. Review status: criteria provided, single submitter. Criteria: Invitae Variant Classification Sherloc (09022015). Collection method: clinical testing. Allele origin: germline.
Comment: This sequence change replaces proline, which is neutral and non-polar, with leucine, which is neutral and non-polar, at codon 2391 of the SRCAP protein (p.Pro2391Leu). This variant is present in population databases (rs199646032, gnomAD 0.03%). This variant has not been reported in the literature in individuals affected with SRCAP-related conditions. Algorithms developed to predict the effect of missense changes on protein structure and function output the following: SIFT: "Tolerated"; PolyPhen-2: "Benign"; Align-GVGD: "Class C0". The leucine amino acid residue is found in multiple mammalian species, which suggests that this missense change does not adversely affect protein function. In summary, the available evidence is currently insufficient to determine the role of this variant in disease. Therefore, it has been classified as a Variant of Uncertain Significance.

NM_006662.3(SRCAP):c.7172C>T (p.Pro2391Leu)

Gene: SRCAP (Snf2 related CREBBP activator protein; plus strand). Cytogenetic location: 16p11.2.
Variant type: single nucleotide variant.
Coding change: c.7172C>T on transcript NM_006662.3 (MANE Select); coding-DNA position 7172, C replaced by T.
Protein change: p.Pro2391Leu; replaces proline 2391 with leucine.
Molecular consequence: missense variant.
Genome position (GRCh38, 1-based): chr16:30,737,212, C>T. VCF-style: chr16-30737212-C-T. GRCh37 (hg19) VCF-style: chr16-30748533-C-T.
Other names: short protein forms P2391L.
Identifiers: ClinVar variation 2175539 (VCV002175539.5), dbSNP rs199646032, ClinGen allele CA8012432.